The following is an entry in ClinVar:

NM_000900.5(MGP):c.94+1G>A

Gene: MGP (matrix Gla protein; minus strand). Cytogenetic location: 12p12.3.
Variant type: single nucleotide variant.
Coding change: c.94+1G>A on transcript NM_000900.5 (MANE Select); the canonical splice donor site of the intron after coding-DNA position 94, G replaced by A.
Molecular consequence: splice donor variant.
Genome position (GRCh38, 1-based): chr12:14,884,212, C>T on the plus strand (G>A on the coding strand, the complement: MGP is on the minus strand). VCF-style: chr12-14884212-C-T. GRCh37 (hg19) VCF-style: chr12-15037146-C-T.
Other names: IVS2DS, G-A, +1; c.169+1G>A (NM_001190839.3).
Identifiers: ClinVar variation 14344 (VCV000014344.12), dbSNP rs111320759, ClinGen allele CA212956.

ClinVar aggregate classification (germline): Pathogenic/Likely pathogenic. Review status: criteria provided, multiple submitters, no conflicts (2 of 4 stars). 5 submissions from 5 submitters: Pathogenic (3); Likely pathogenic (1). 1 of the submissions does not count toward it. Last evaluated 2024-03-17.

Conditions:
Keutel syndrome (KTLS). Identifiers: Orphanet 85202, MedGen C1855607, MONDO:0009495, OMIM 245150.

gnomAD v4.1: 1 of 1,461,188 alleles (0.000068%); no homozygotes.

Submissions (5):

Genomic Medicine Center of Excellence, King Faisal Specialist Hospital and Research Centre
Classification: Pathogenic for Keutel syndrome. Last evaluated: 2024-03-17. Review status: criteria provided, single submitter. Criteria: ACMG Guidelines, 2015. Collection method: research. Allele origin: germline.

Revvity Omics, Revvity
Classification: Pathogenic for Keutel syndrome. Last evaluated: 2021-11-22. Review status: criteria provided, single submitter. Criteria: ACMG Guidelines, 2015. Collection method: clinical testing. Allele origin: germline.

GeneDx
Classification: Likely pathogenic. Last evaluated: 2017-06-08. Review status: criteria provided, single submitter. Criteria: GeneDx Variant Classification (06012015). Collection method: clinical testing. Allele origin: germline. Affected: yes.
Comment: The c.94+1G>A variant in the MGP gene has been reported previously in association with Keutel syndrome, in affected siblings who were homozygous for the c.94+1G>A variant (Hur et al., 2005). This splice site variant destroys the canonical splice donor site in intron 2, which is predicted to cause abnormal gene splicing. The c.94+1G>A variant is not observed in large population cohorts (Lek et al., 2016; 1000 Genomes Consortium et al., 2015; Exome Variant Server). We interpret c.94+1G>A as a likely pathogenic variant.

Eurofins Ntd Llc (ga)
Classification: Pathogenic. Last evaluated: 2016-10-31. Review status: criteria provided, single submitter. Criteria: EGL Classification Definitions 2015. Collection method: clinical testing. Allele origin: germline. Observed: 1 variant allele, 1 heterozygote.

OMIM
Classification: Pathogenic for KEUTEL SYNDROME. Last evaluated: 2005-05-15. Review status: no assertion criteria provided. Collection method: literature only. Allele origin: germline. Not counted in ClinVar's aggregate classification.

Literature cited by the submitters: PubMed 15810001 (cited by OMIM).